The following is an entry in ClinVar:

ClinVar aggregate classification (germline): Uncertain significance. Review status: criteria provided, multiple submitters, no conflicts (2 of 4 stars). 3 submissions from 3 submitters: Uncertain significance (3). Last evaluated 2026-01-24.

Conditions:
Cardiovascular phenotype. Identifiers: MedGen CN230736.

Allele frequency attached by ClinVar (database versions not stated): ExAC 0.00001; gnomAD 0.00001; TOPMed 0.00001; ESP Exome Variant Server 0.00008.
gnomAD v4.1: 5 of 1,575,128 alleles (0.00032%); highest among the groups gnomAD compares: African/African-American, 0.0013%; no homozygotes.

Submissions (3):

Ambry Genetics
Classification: Uncertain significance for Cardiovascular phenotype. Last evaluated: 2026-01-24. Review status: criteria provided, single submitter. Criteria: Ambry Variant Classification Scheme 2023. Collection method: clinical testing. Allele origin: germline.
Comment: The p.G1157D variant (also known as c.3470G>A), located in coding exon 6 of the ALPK3 gene, results from a G to A substitution at nucleotide position 3470. The glycine at codon 1157 is replaced by aspartic acid, an amino acid with similar properties. This amino acid position is conserved. In addition, the in silico prediction for this alteration is inconclusive. Based on the available evidence, the clinical significance of this variant remains unclear.

Labcorp Genetics (formerly Invitae), Labcorp
Classification: Uncertain significance. Last evaluated: 2025-05-07. Review status: criteria provided, single submitter. Criteria: Invitae Variant Classification Sherloc (09022015). Collection method: clinical testing. Allele origin: germline.
Comment: This sequence change replaces glycine, which is neutral and non-polar, with aspartic acid, which is acidic and polar, at codon 1157 of the ALPK3 protein (p.Gly1157Asp). This variant is present in population databases (rs149469850, gnomAD 0.002%). This variant has not been reported in the literature in individuals affected with ALPK3-related conditions. ClinVar contains an entry for this variant (Variation ID: 2176348). Invitae Evidence Modeling of protein sequence and biophysical properties (such as structural, functional, and spatial information, amino acid conservation, physicochemical variation, residue mobility, and thermodynamic stability) has been performed for this missense variant. However, the output from this modeling did not meet the statistical confidence thresholds required to predict the impact of this variant on ALPK3 protein function. In summary, the available evidence is currently insufficient to determine the role of this variant in disease. Therefore, it has been classified as a Variant of Uncertain Significance.

GeneDx
Classification: Uncertain significance. Last evaluated: 2024-10-14. Review status: criteria provided, single submitter. Criteria: GeneDx Variant Classification Process June 2021. Collection method: clinical testing. Allele origin: germline. Affected: yes.
Comment: Not observed at significant frequency in large population cohorts (gnomAD); In silico analysis supports that this missense variant has a deleterious effect on protein structure/function; Has not been previously published as pathogenic or benign to our knowledge

NM_020778.5(ALPK3):c.2864G>A (p.Gly955Asp)

Gene: ALPK3 (alpha kinase 3; plus strand). Cytogenetic location: 15q25.3.
Variant type: single nucleotide variant.
Coding change: c.2864G>A on transcript NM_020778.5 (MANE Select); coding-DNA position 2864, G replaced by A.
Protein change: p.Gly955Asp; replaces glycine 955 with aspartic acid.
Molecular consequence: missense variant.
Genome position (GRCh38, 1-based): chr15:84,857,602, G>A. VCF-style: chr15-84857602-G-A. GRCh37 (hg19) VCF-style: chr15-85400833-G-A.
Other names: c.3470G>A (NM_020778.4); short protein forms G955D.
Identifiers: ClinVar variation 2176348 (VCV002176348.6), dbSNP rs149469850, ClinGen allele CA7709511.